The following is an entry in ClinVar:

NM_206933.4(USH2A):c.14777_14783del (p.Thr4926fs)

Gene: USH2A (usherin; minus strand). Cytogenetic location: 1q41.
Variant type: Deletion.
Coding change: c.14777_14783del on transcript NM_206933.4 (MANE Select); coding-DNA positions 14777 to 14783, 7 bases deleted (CCACCCA; older notation c.14777_14783delCCACCCA).
Protein change: p.Thr4926fs; shifts the reading frame from threonine 4926.
Molecular consequence: frameshift variant.
Genome position (GRCh38, 1-based): chr1:215,647,530-215,647,536, TGGGTGG deleted on the plus strand (CCACCCA on the coding strand, the reverse complement: USH2A is on the minus strand); deleting any 7 consecutive bases within chr1:215,647,530-215,647,538 gives the same sequence; the c. name uses the placement nearest the transcript's 3' end. VCF-style (leftmost placement, unchanged base first): chr1-215647529-TTGGGTGG-T. GRCh37 (hg19) VCF-style: chr1-215820871-TTGGGTGG-T.
Other names: short protein forms T4926fs.
Identifiers: ClinVar variation 1408961 (VCV001408961.6), dbSNP rs1571928405, ClinGen allele CA916402613.

ClinVar aggregate classification (germline): Pathogenic (1 of 4 stars; one submission).

Submission:

Labcorp Genetics (formerly Invitae), Labcorp
Classification: Pathogenic. Last evaluated: 2021-10-09. Review status: criteria provided, single submitter. Criteria: Invitae Variant Classification Sherloc (09022015). Collection method: clinical testing. Allele origin: germline.
Comment: For these reasons, this variant has been classified as Pathogenic. This variant has not been reported in the literature in individuals affected with USH2A-related conditions. This variant is not present in population databases (ExAC no frequency). This sequence change creates a premature translational stop signal (p.Thr4926Lysfs*22) in the USH2A gene. It is expected to result in an absent or disrupted protein product. Loss-of-function variants in USH2A are known to be pathogenic (PMID: 10729113, 10909849, 20507924, 25649381).

Literature cited by the submitters: PubMed 10729113; PubMed 10909849; PubMed 20507924; PubMed 25649381.